The following is an entry in ClinVar:

NM_000070.3(CAPN3):c.2243_2253del (p.Arg748fs)

Gene: CAPN3 (calpain 3; plus strand). Cytogenetic location: 15q15.1.
Variant type: Deletion.
Coding change: c.2243_2253del on transcript NM_000070.3 (MANE Select); coding-DNA positions 2243 to 2253, 11 bases deleted (GAAATGCAGTC).
Protein change: p.Arg748fs; shifts the reading frame from arginine 748.
Molecular consequence: frameshift variant.
Genome position (GRCh38, 1-based): chr15:42,410,646-42,410,656, GAAATGCAGTC deleted; deleting any 11 consecutive bases within chr15:42,410,645-42,410,656 gives the same sequence; the c. name uses the placement nearest the transcript's 3' end. VCF-style (leftmost placement, unchanged base first): chr15-42410644-GCGAAATGCAGT-G. GRCh37 (hg19) VCF-style: chr15-42702842-GCGAAATGCAGT-G.
Other names: c.2225_2235del, p.Arg742fs (NM_024344.2); c.1967_1977del, p.Arg656fs (NM_173087.2); c.707_717del, p.Arg236fs (NM_173088.2); c.248_258del, p.Arg83fs (NM_173089.2, NM_173090.2); short protein forms R236fs, R656fs, R742fs, R748fs, R83fs.
Identifiers: ClinVar variation 5012613 (VCV005012613.1).

ClinVar aggregate classification (germline): Pathogenic (1 of 4 stars; one submission).

Conditions:
Autosomal recessive limb-girdle muscular dystrophy type 2A (LGMDR1). Also called: LEYDEN-MOEBIUS MUSCULAR DYSTROPHY; MUSCULAR DYSTROPHY, PELVOFEMORAL; Limb-girdle muscular dystrophy, type 2A; Calpainopathy; Muscular dystrophy, limb-girdle, type 2A, Amish. Identifiers: Orphanet 267, MedGen C1869123, MONDO:0009675, OMIM 253600. Disease mechanism: loss of function.

Submission:

Myriad Genetics, Inc.
Classification: Pathogenic for Autosomal recessive limb-girdle muscular dystrophy type 2A. Last evaluated: 2023-12-26. Review status: criteria provided, single submitter. Criteria: Myriad Autosomal Dominant, Autosomal Recessive and X-Linked Classification Criteria (2023). Collection method: clinical testing. Allele origin: unknown.
Comment: NM_000070.2(CAPN3):c.2243_2253del11(R748Qfs*13) is expected to be pathogenic in the context of calpainopathy. This variant is predicted to lead to an abnormal or absent protein product due to the creation of a premature termination codon in CAPN3, a gene where loss-of-function variants are known to be pathogenic. Please note: this variant was assessed in the context of healthy population screening.